The following is an entry in ClinVar:

NM_001429.4(EP300):c.5486G>A (p.Arg1829His)

Gene: EP300 (E1A binding protein p300; plus strand). Cytogenetic location: 22q13.2.
Variant type: single nucleotide variant.
Coding change: c.5486G>A on transcript NM_001429.4 (MANE Select); coding-DNA position 5486, G replaced by A.
Protein change: p.Arg1829His; replaces arginine 1829 with histidine.
Molecular consequence: missense variant.
Genome position (GRCh38, 1-based): chr22:41,177,197, G>A. VCF-style: chr22-41177197-G-A. GRCh37 (hg19) VCF-style: chr22-41573201-G-A.
Other names: c.5408G>A, p.Arg1803His (NM_001362843.2); short protein forms R1803H, R1829H.
Identifiers: ClinVar variation 1723038 (VCV001723038.4), dbSNP rs2145516079, ClinGen allele CA411709085.
Genomic context (GRCh38, chr22:41,177,197, plus strand): 5'-TCAAGCAGAAGCTCCGGCAGCAACAGCTGCAGCACCGACTACAGCAGGCCCAAATGCTTC[G>A]CAGGAGGATGGCCAGCATGCAGCGGACTGGTGTGGTTGGGCAGCAACAGGGCCTCCCTTC-3'
Protein context (NP_001420.2, residues 1819-1839): QHRLQQAQML[Arg1829His]RRMASMQRTG

ClinVar aggregate classification (germline): Uncertain significance (1 of 4 stars; one submission).

Submission:

GeneDx
Classification: Uncertain significance. Last evaluated: 2024-04-09. Review status: criteria provided, single submitter. Criteria: GeneDx Variant Classification Process June 2021. Collection method: clinical testing. Allele origin: germline. Affected: yes.
Comment: Not observed at significant frequency in large population cohorts (gnomAD); In silico analysis supports that this missense variant has a deleterious effect on protein structure/function; Has not been previously published as pathogenic or benign to our knowledge